The following is an entry in ClinVar:

NM_000038.6(APC):c.3635C>A (p.Ser1212Tyr)

Gene: APC (APC regulator of Wnt signaling pathway; plus strand). Cytogenetic location: 5q22.2.
Variant type: single nucleotide variant.
Coding change: c.3635C>A on transcript NM_000038.6 (MANE Select); coding-DNA position 3635, C replaced by A.
Protein change: p.Ser1212Tyr; replaces serine 1212 with tyrosine.
Molecular consequence: missense variant. On other transcripts: non-coding transcript variant (2).
Genome position (GRCh38, 1-based): chr5:112,839,229, C>A. VCF-style: chr5-112839229-C-A. GRCh37 (hg19) VCF-style: chr5-112174926-C-A.
Other names: c.3635C>A, p.Ser1212Tyr (NM_001127510.3, NM_001354895.2, NM_001407450.1); c.3581C>A, p.Ser1194Tyr (NM_001127511.3); c.3689C>A, p.Ser1230Tyr (NM_001354896.2, NM_001407447.1, NM_001407448.1 and 1 more transcripts); c.3665C>A, p.Ser1222Tyr (NM_001354897.2); c.3560C>A, p.Ser1187Tyr (NM_001354898.2); c.3551C>A, p.Ser1184Tyr (NM_001354899.2); c.3512C>A, p.Ser1171Tyr (NM_001354900.2); c.3458C>A, p.Ser1153Tyr (NM_001354901.2, NM_001407453.1); and 11 more; short protein forms S1129Y, S1171Y, S1205Y, S1230Y, S1083Y, S1111Y, S1153Y, S1194Y.
Identifiers: ClinVar variation 2702993 (VCV002702993.4), dbSNP rs2149895995, ClinGen allele CA16029315.

ClinVar aggregate classification (germline): Uncertain significance. Review status: criteria provided, multiple submitters, no conflicts (2 of 4 stars). 2 submissions from 2 submitters: Uncertain significance (2). Last evaluated 2025-07-31.

Conditions:
Hereditary cancer-predisposing syndrome. Also called: Hereditary neoplastic syndrome; Neoplastic Syndromes, Hereditary; Hereditary Cancer Syndrome; Tumor predisposition. Identifiers: Orphanet 140162, MedGen C0027672, MeSH D009386, MONDO:0015356.
Familial adenomatous polyposis 1 (FAP1). Also called: POLYPOSIS, ADENOMATOUS INTESTINAL; FAMILIAL ADENOMATOUS POLYPOSIS 1, ATTENUATED. Identifiers: MedGen C2713442, MONDO:0021056, OMIM 175100. Disease mechanism: loss of function.

Submissions (2):

Labcorp Genetics (formerly Invitae), Labcorp
Classification: Uncertain significance for Familial adenomatous polyposis 1. Last evaluated: 2025-07-31. Review status: criteria provided, single submitter. Criteria: Invitae Variant Classification Sherloc (09022015). Collection method: clinical testing. Allele origin: germline.
Comment: This sequence change replaces serine, which is neutral and polar, with tyrosine, which is neutral and polar, at codon 1212 of the APC protein (p.Ser1212Tyr). This variant is not present in population databases (gnomAD no frequency). This variant has not been reported in the literature in individuals affected with APC-related conditions. ClinVar contains an entry for this variant (Variation ID: 2702993). Invitae Evidence Modeling of protein sequence and biophysical properties (such as structural, functional, and spatial information, amino acid conservation, physicochemical variation, residue mobility, and thermodynamic stability) indicates that this missense variant is not expected to disrupt APC protein function with a negative predictive value of 95%. In summary, the available evidence is currently insufficient to determine the role of this variant in disease. Therefore, it has been classified as a Variant of Uncertain Significance.

Color Diagnostics, LLC DBA Color Health
Classification: Uncertain significance for Hereditary cancer-predisposing syndrome. Last evaluated: 2023-07-24. Review status: criteria provided, single submitter. Criteria: ACMG Guidelines, 2015. Collection method: clinical testing. Allele origin: germline.
Comment: This missense variant replaces serine with tyrosine at codon 1212 of the APC protein. Computational prediction suggests that this variant may not impact protein structure and function (internally defined REVEL score threshold <= 0.5, PMID: 27666373). To our knowledge, functional studies have not been reported for this variant. This variant has not been reported in individuals affected with APC-related disorders in the literature. This variant has not been identified in the general population by the Genome Aggregation Database (gnomAD). The available evidence is insufficient to determine the role of this variant in disease conclusively. Therefore, this variant is classified as a Variant of Uncertain Significance.